The following is an entry in ClinVar:

ClinVar aggregate classification (germline): Uncertain significance (1 of 4 stars; one submission).

Submission:

Labcorp Genetics (formerly Invitae), Labcorp
Classification: Uncertain significance. Last evaluated: 2022-08-06. Review status: criteria provided, single submitter. Criteria: Invitae Variant Classification Sherloc (09022015). Collection method: clinical testing. Allele origin: germline.
Comment: In summary, the available evidence is currently insufficient to determine the role of this variant in disease. Therefore, it has been classified as a Variant of Uncertain Significance. Algorithms developed to predict the effect of missense changes on protein structure and function are either unavailable or do not agree on the potential impact of this missense change (SIFT: "Not Available"; PolyPhen-2: "Probably Damaging"; Align-GVGD: "Not Available"). This variant has not been reported in the literature in individuals affected with ANK3-related conditions. This variant is not present in population databases (gnomAD no frequency). This sequence change replaces tryptophan, which is neutral and slightly polar, with arginine, which is basic and polar, at codon 2847 of the ANK3 protein (p.Trp2847Arg).

NM_020987.5(ANK3):c.8539T>A (p.Trp2847Arg)

Gene: ANK3 (ankyrin 3; minus strand). Cytogenetic location: 10q21.2.
Variant type: single nucleotide variant.
Coding change: c.8539T>A on transcript NM_020987.5 (MANE Select); coding-DNA position 8539, T replaced by A.
Protein change: p.Trp2847Arg; replaces tryptophan 2847 with arginine.
Molecular consequence: missense variant. On other transcripts: intron variant (4).
Genome position (GRCh38, 1-based): chr10:60,072,342, A>T on the plus strand (T>A on the coding strand, the complement: ANK3 is on the minus strand). VCF-style: chr10-60072342-A-T. GRCh37 (hg19) VCF-style: chr10-61832100-A-T.
Other names: c.4388-4333T>A (NM_001204403.2); c.4409-4333T>A (NM_001204404.2); c.4406-4333T>A (NM_001320874.2); c.1808-4333T>A (NM_001149.4); short protein forms W2847R.
Identifiers: ClinVar variation 1715057 (VCV001715057.5), dbSNP rs2492541370, ClinGen allele CA377007317.
Genomic context (GRCh38, chr10:60,072,342, plus strand): 5'-TCTGAGACTTATTGTTAGTGGCTCCCGAACTCTCCCATGTTCTAAAGACCTTTTTGTCCC[A>T]TGGTCCCCTAGTTGCTAAATCTGAGGTTATATGACATGCCAAGTCTTTAGCCTGCTGCTC-3'
Protein context (NP_066267.2, residues 2837-2857): ITSDLATRGP[Trp2847Arg]DKKVFRTWES